The following is an entry in ClinVar:

ClinVar aggregate classification (germline): Uncertain significance. Review status: criteria provided, multiple submitters, no conflicts (2 of 4 stars). 5 submissions from 5 submitters: Uncertain significance (5). Last evaluated 2024-09-15.

Conditions:
Juvenile polyposis syndrome (JPS). Identifiers: Orphanet 2929, MedGen C0345893, MONDO:0017380, OMIM 174900.
Hereditary cancer-predisposing syndrome. Also called: Hereditary neoplastic syndrome; Neoplastic Syndromes, Hereditary; Tumor predisposition; Hereditary Cancer Syndrome. Identifiers: Orphanet 140162, MedGen C0027672, MeSH D009386, MONDO:0015356.

Allele frequency attached by ClinVar (database versions not stated): TOPMed below 0.00001.

Submissions (5):

Ambry Genetics
Classification: Uncertain significance for Hereditary cancer-predisposing syndrome. Last evaluated: 2024-09-15. Review status: criteria provided, single submitter. Criteria: Ambry Variant Classification Scheme 2023. Collection method: clinical testing. Allele origin: germline.
Comment: The p.M440V variant (also known as c.1318A>G), located in coding exon 9 of the BMPR1A gene, results from an A to G substitution at nucleotide position 1318. The methionine at codon 440 is replaced by valine, an amino acid with highly similar properties. This alteration has been identified in a patient with adrenocortical carcinoma (Owen DH et al. Horm Cancer, 2019 12;10:161-167). This amino acid position is highly conserved in available vertebrate species. In addition, this alteration is predicted to be deleterious by in silico analysis. Since supporting evidence is limited at this time, the clinical significance of this alteration remains unclear.

Labcorp Genetics (formerly Invitae), Labcorp
Classification: Uncertain significance for Juvenile polyposis syndrome. Last evaluated: 2024-05-22. Review status: criteria provided, single submitter. Criteria: Invitae Variant Classification Sherloc (09022015). Collection method: clinical testing. Allele origin: germline.
Comment: This sequence change replaces methionine, which is neutral and non-polar, with valine, which is neutral and non-polar, at codon 440 of the BMPR1A protein (p.Met440Val). This variant is not present in population databases (gnomAD no frequency). This variant has not been reported in the literature in individuals affected with BMPR1A-related conditions. ClinVar contains an entry for this variant (Variation ID: 485372). Advanced modeling performed at Invitae incorporating data from internal and/or published experimental studies (Invitae) indicates that this missense variant is not expected to disrupt BMPR1A function with a negative predictive value of 95%. In summary, the available evidence is currently insufficient to determine the role of this variant in disease. Therefore, it has been classified as a Variant of Uncertain Significance.

All of Us Research Program, National Institutes of Health
Classification: Uncertain significance for Juvenile polyposis syndrome. Last evaluated: 2024-05-14. Review status: criteria provided, single submitter. Criteria: ACMG Guidelines, 2015. Collection method: clinical testing. Allele origin: germline. Inheritance: Autosomal dominant inheritance. Observed: 1 variant allele, 1 heterozygote.
Comment: This missense variant replaces methionine with valine at codon 440 of the BMPR1A protein. Computational prediction is inconclusive regarding the impact of this variant on protein structure and function (internally defined REVEL score threshold 0.5 < inconclusive < 0.7, PMID: 27666373). To our knowledge, functional studies have not been reported for this variant. This variant has not been reported in individuals affected with BMPR1A-related disorders in the literature. This variant has been identified in an individual affected with adrenocortical carcinoma (PMID: 31468469). This variant has not been identified in the general population by the Genome Aggregation Database (gnomAD). The available evidence is insufficient to determine the role of this variant in disease conclusively. Therefore, this variant is classified as a Variant of Uncertain Significance.

This study involves interpretation of variants in research participants for the purpose of population health screening. Participant phenotype was not available at the time of variant classification. Additional details can be found in publication PMID: 35346344, PMCID: PMC8962531

Color Diagnostics, LLC DBA Color Health
Classification: Uncertain significance for Hereditary cancer-predisposing syndrome. Last evaluated: 2024-04-18. Review status: criteria provided, single submitter. Criteria: ACMG Guidelines, 2015. Collection method: clinical testing. Allele origin: germline.
Comment: This missense variant replaces methionine with valine at codon 440 of the BMPR1A protein. Computational prediction is inconclusive regarding the impact of this variant on protein structure and function (internally defined REVEL score threshold 0.5 < inconclusive < 0.7, PMID: 27666373). To our knowledge, functional studies have not been reported for this variant. This variant has not been reported in individuals affected with BMPR1A-related disorders in the literature. This variant has been identified in an individual affected with adrenocortical carcinoma (PMID: 31468469). This variant has not been identified in the general population by the Genome Aggregation Database (gnomAD). The available evidence is insufficient to determine the role of this variant in disease conclusively. Therefore, this variant is classified as a Variant of Uncertain Significance.

GeneDx
Classification: Uncertain significance. Last evaluated: 2019-07-16. Review status: criteria provided, single submitter. Criteria: GeneDx Variant Classification Process June 2021. Collection method: clinical testing. Allele origin: germline. Affected: yes.
Comment: Not observed in large population cohorts (Lek 2016); In silico analysis, which includes protein predictors and evolutionary conservation, supports that this variant does not alter protein structure/function; Has not been previously published as pathogenic or benign to our knowledge; Variant is located in the protein kinase domain (UniProt)

Literature cited by the submitters: PubMed 31468469 (cited by 3 submitters).

NM_004329.3(BMPR1A):c.1318A>G (p.Met440Val)

Gene: BMPR1A (bone morphogenetic protein receptor type 1A; plus strand). Cytogenetic location: 10q23.2.
Variant type: single nucleotide variant.
Coding change: c.1318A>G on transcript NM_004329.3 (MANE Select); coding-DNA position 1318, A replaced by G.
Protein change: p.Met440Val; replaces methionine 440 with valine.
Molecular consequence: missense variant.
Genome position (GRCh38, 1-based): chr10:86,921,671, A>G. VCF-style: chr10-86921671-A-G. GRCh37 (hg19) VCF-style: chr10-88681428-A-G.
Other names: short protein forms M440V.
Identifiers: ClinVar variation 485372 (VCV000485372.23), dbSNP rs1327393432, ClinGen allele CA377462388.